The following is an entry in ClinVar:

ClinVar aggregate classification (germline): Uncertain significance (1 of 4 stars; one submission).

Conditions:
Cerebral creatine deficiency syndrome. Also called: Creatine deficiency syndromes. Identifiers: Orphanet 79172, MedGen C5244016, MONDO:0000456.

Allele frequency attached by ClinVar (database versions not stated): gnomAD 0.00001; TOPMed 0.00001.

Submission:

Labcorp Genetics (formerly Invitae), Labcorp
Classification: Uncertain significance for Cerebral creatine deficiency syndrome. Last evaluated: 2020-01-21. Review status: criteria provided, single submitter. Criteria: Invitae Variant Classification Sherloc (09022015). Collection method: clinical testing. Allele origin: germline.
Comment: In summary, the available evidence is currently insufficient to determine the role of this variant in disease. Therefore, it has been classified as a Variant of Uncertain Significance. Algorithms developed to predict the effect of missense changes on protein structure and function are either unavailable or do not agree on the potential impact of this missense change (SIFT: "Tolerated"; PolyPhen-2: "Possibly Damaging"; Align-GVGD: "Class C0"). This variant has not been reported in the literature in individuals with GAMT-related conditions. This variant is not present in population databases (ExAC no frequency). This sequence change replaces histidine with glutamine at codon 108 of the GAMT protein (p.His108Gln). The histidine residue is highly conserved and there is a small physicochemical difference between histidine and glutamine.

NM_000156.6(GAMT):c.324C>A (p.His108Gln)

Gene: GAMT (guanidinoacetate N-methyltransferase; minus strand). Cytogenetic location: 19p13.3.
Variant type: single nucleotide variant.
Coding change: c.324C>A on transcript NM_000156.6 (MANE Select); coding-DNA position 324, C replaced by A.
Protein change: p.His108Gln; replaces histidine 108 with glutamine.
Molecular consequence: missense variant.
Genome position (GRCh38, 1-based): chr19:1,399,796, G>T on the plus strand (C>A on the coding strand, the complement: GAMT is on the minus strand). VCF-style: chr19-1399796-G-T. GRCh37 (hg19) VCF-style: chr19-1399795-G-T.
Other names: c.324C>A, p.His108Gln (NM_138924.3); short protein forms H108Q.
Identifiers: ClinVar variation 1007483 (VCV001007483.10), dbSNP rs1289804170, ClinGen allele CA402996056.
Genomic context (GRCh38, chr19:1,399,796, plus strand): 5'-GCAGTGCCCTCACCCCAAGGAGTGGGGGTCCTGGAGGGCCTGCGGGCAGAGGGGCACCTT[G>T]TGTGTCTGCCGTGGGGCCCAGTCCCGGAGCCGCTGGAAGACGCCGTCATTGCACTCGATG-3'
Protein context (NP_000147.1, residues 98-118): RLRDWAPRQT[His108Gln]KVIPLKGLWE